The following is an entry in ClinVar:

ClinVar aggregate classification (germline): Uncertain significance (1 of 4 stars; one submission).

Conditions:
Inborn genetic diseases. Identifiers: MedGen C0950123, MeSH D030342.

Allele frequency attached by ClinVar (database versions not stated): gnomAD exomes below 0.00001; ExAC 0.00001.
gnomAD v4.1: 1 of 1,604,258 alleles (0.000062%); highest among the groups gnomAD compares: Non-Finnish European, 0.000085%; no homozygotes.

Submission:

Ambry Genetics
Classification: Uncertain significance for Inborn genetic diseases. Last evaluated: 2024-02-23. Review status: criteria provided, single submitter. Criteria: Ambry Variant Classification Scheme 2023. Collection method: clinical testing. Allele origin: germline.
Comment: The p.E2503V variant (also known as c.7508A>T), located in coding exon 51 of the LRRK2 gene, results from an A to T substitution at nucleotide position 7508. The glutamic acid at codon 2503 is replaced by valine, an amino acid with dissimilar properties. This amino acid position is conserved. In addition, this alteration is predicted to be deleterious by in silico analysis. Based on the available evidence, the clinical significance of this alteration remains unclear.

NM_198578.4(LRRK2):c.7508A>T (p.Glu2503Val)

Gene: LRRK2 (leucine rich repeat kinase 2; plus strand). Cytogenetic location: 12q12.
Variant type: single nucleotide variant.
Coding change: c.7508A>T on transcript NM_198578.4 (MANE Select); coding-DNA position 7508, A replaced by T.
Protein change: p.Glu2503Val; replaces glutamic acid 2503 with valine.
Molecular consequence: missense variant.
Genome position (GRCh38, 1-based): chr12:40,367,689, A>T. VCF-style: chr12-40367689-A-T. GRCh37 (hg19) VCF-style: chr12-40761491-A-T.
Other names: short protein forms E2503V.
Identifiers: ClinVar variation 3229795 (VCV003229795.1), dbSNP rs766673964, ClinGen allele CA6514970.
Genomic context (GRCh38, chr12:40,367,689, plus strand): 5'-TTTTTCTTTTTCTAGAGATACAATCTTGCTTGACCGTTTGGGACATCAATCTTCCACATG[A>T]AGTGCAAAATTTAGAAAAACACATTGAAGTGAGAAAAGAATTAGCTGAAAAAATGAGACG-3'
Protein context (NP_940980.4, residues 2493-2513): LTVWDINLPH[Glu2503Val]VQNLEKHIEV